The following is an entry in ClinVar:

ClinVar aggregate classification (germline): Likely benign. Review status: criteria provided, multiple submitters, no conflicts (2 of 4 stars). 2 submissions from 2 submitters: Likely benign (2). Last evaluated 2026-08-30.

Conditions:
SLFN14-related disorder. Also called: SLFN14-related condition.

Submissions (3):

PreventionGenetics, part of Exact Sciences
Classification: Likely benign for SLFN14-related condition. Last evaluated: 2026-08-30. Review status: criteria provided, single submitter. Criteria: ACMG Guidelines, 2015. Collection method: clinical testing. Allele origin: germline.
Comment: This variant is classified as likely benign based on ACMG/AMP sequence variant interpretation guidelines (Richards et al. 2015 PMID: 25741868, with internal and published modifications).

Blueprint Genetics
Classification: Likely benign. Last evaluated: 2024-07-18. Review status: criteria provided, single submitter. Criteria: ACMG Guidelines, 2015. Collection method: clinical testing. Allele origin: germline.

Dr. Peter K. Rogan Lab, Western University
No classification provided (evidence only). Condition: Uterine corpus endometrial carcinoma. Review status: no classification provided. Collection method: in vitro. Allele origin: not applicable. Functional consequence: retained intron. Not counted in ClinVar's aggregate classification.

NM_001129820.2(SLFN14):c.1060G>C (p.Ala354Pro)

Gene: SLFN14 (schlafen family member 14; minus strand). Cytogenetic location: 17q12.
Variant type: single nucleotide variant.
Coding change: c.1060G>C on transcript NM_001129820.2 (MANE Select); coding-DNA position 1060, G replaced by C.
Protein change: p.Ala354Pro; replaces alanine 354 with proline.
Molecular consequence: missense variant.
Genome position (GRCh38, 1-based): chr17:35,557,003, C>G on the plus strand (G>C on the coding strand, the complement: SLFN14 is on the minus strand). VCF-style: chr17-35557003-C-G. GRCh37 (hg19) VCF-style: chr17-33884022-C-G.
Other names: NC_000017.10:g.33884022C>G; c.1060G>C (NM_001129820.1); short protein forms A354P.
Identifiers: ClinVar variation 4420100 (VCV004420100.3).